The following is an entry in ClinVar:

ClinVar aggregate classification (germline): Likely benign. Review status: reviewed by expert panel (3 of 4 stars). 8 submissions from 8 submitters: Likely benign (1). 7 of the submissions do not count toward it. Last evaluated 2017-06-29.

Conditions:
Hereditary breast ovarian cancer syndrome. Also called: Hereditary breast and ovarian cancer; Hereditary breast and ovarian cancer syndrome; Breast and ovarian cancer; Hereditary breast and ovarian cancer syndrome (HBOC); Hereditary breast and/or ovarian cancer syndrome; BRCA1- and BRCA2-Associated Hereditary Breast and Ovarian Cancer. Identifiers: Orphanet 145, MedGen C0677776, MeSH D061325, MONDO:0003582. Disease mechanism: loss of function.
Hereditary cancer-predisposing syndrome. Also called: Hereditary Cancer Syndrome; Neoplastic Syndromes, Hereditary; Tumor predisposition; Hereditary neoplastic syndrome. Identifiers: Orphanet 140162, MedGen C0027672, MeSH D009386, MONDO:0015356.
Breast-ovarian cancer, familial, susceptibility to, 2 (BROVCA2). Also called: BRCA2 Hereditary Breast and Ovarian Cancer. Identifiers: Orphanet 145, MedGen C2675520, MONDO:0012933, OMIM 612555. Disease mechanism: loss of function.

Allele frequency attached by ClinVar (database versions not stated): TOPMed below 0.00001; gnomAD exomes 0.00001.
gnomAD v4.1: 10 of 1,614,146 alleles (0.00062%); highest among the groups gnomAD compares: Middle Eastern, 0.12%; no homozygotes.

Submissions (8):

Evidence-based Network for the Interpretation of Germline Mutant Alleles (ENIGMA)
Classification: Likely benign for Breast-ovarian cancer, familial, susceptibility to, 2. Last evaluated: 2017-06-29. Review status: reviewed by expert panel. Criteria: ENIGMA BRCA1/2 Classification Criteria (2017-06-29). Collection method: curation. Allele origin: germline.
Comment: Synonymous substitution variant, with low bioinformatic likelihood to result in a splicing aberration (Splicing prior probability 0.02).

Labcorp Genetics (formerly Invitae), Labcorp
Classification: Likely benign for Hereditary breast ovarian cancer syndrome. Last evaluated: 2025-12-13. Review status: criteria provided, single submitter. Criteria: Invitae Variant Classification Sherloc (09022015). Collection method: clinical testing. Allele origin: germline. Not counted in ClinVar's aggregate classification.

All of Us Research Program, National Institutes of Health
Classification: Likely benign for Breast-ovarian cancer, familial, susceptibility to, 2. Last evaluated: 2023-12-18. Review status: criteria provided, single submitter. Criteria: ACMG Guidelines, 2015. Collection method: clinical testing. Allele origin: germline. Inheritance: Autosomal dominant inheritance. Observed: 2 variant alleles, 2 heterozygotes. Not counted in ClinVar's aggregate classification.
Comment: This study involves interpretation of variants in research participants for the purpose of population health screening. Participant phenotype was not available at the time of variant classification. Additional details can be found in publication PMID: 35346344, PMCID: PMC8962531

Quest Diagnostics Nichols Institute San Juan Capistrano
Classification: Likely benign. Last evaluated: 2023-01-10. Review status: criteria provided, single submitter. Criteria: Quest Diagnostics criteria. Collection method: clinical testing. Allele origin: unknown. Not counted in ClinVar's aggregate classification.

Women's Health and Genetics/Laboratory Corporation of America, LabCorp
Classification: Likely benign. Last evaluated: 2019-08-21. Review status: criteria provided, single submitter. Criteria: LabCorp Variant Classification Summary - May 2015. Collection method: clinical testing. Allele origin: germline. Not counted in ClinVar's aggregate classification.

Color Diagnostics, LLC DBA Color Health
Classification: Likely benign for Hereditary cancer-predisposing syndrome. Last evaluated: 2017-07-05. Review status: criteria provided, single submitter. Criteria: ACMG Guidelines, 2015. Collection method: clinical testing. Allele origin: germline. Not counted in ClinVar's aggregate classification.

GeneDx
Classification: Likely benign. Last evaluated: 2017-03-31. Review status: criteria provided, single submitter. Criteria: GeneDx Variant Classification (06012015). Collection method: clinical testing. Allele origin: germline. Affected: yes. Not counted in ClinVar's aggregate classification.
Comment: This variant is considered likely benign or benign based on one or more of the following criteria: it is a conservative change, it occurs at a poorly conserved position in the protein, it is predicted to be benign by multiple in silico algorithms, and/or has population frequency not consistent with disease.

Ambry Genetics
Classification: Likely benign for Hereditary cancer-predisposing syndrome. Last evaluated: 2014-10-09. Review status: criteria provided, single submitter. Criteria: Ambry Variant Classification Scheme 2023. Collection method: clinical testing. Allele origin: germline. Not counted in ClinVar's aggregate classification.

NM_000059.4(BRCA2):c.7491G>A (p.Lys2497=)

Gene: BRCA2 (BRCA2 DNA repair associated; plus strand). Cytogenetic location: 13q13.1.
Variant type: single nucleotide variant.
Coding change: c.7491G>A on transcript NM_000059.4 (MANE Select); coding-DNA position 7491, G replaced by A.
Protein change: p.Lys2497=; no amino-acid change (lysine 2497 retained).
Molecular consequence: synonymous variant.
Genome position (GRCh38, 1-based): chr13:32,356,483, G>A. VCF-style: chr13-32356483-G-A. GRCh37 (hg19) VCF-style: chr13-32930620-G-A.
Identifiers: ClinVar variation 186621 (VCV000186621.24), dbSNP rs786203092, ClinGen allele CA025116.